The following is an entry in ClinVar:

NM_019074.4(DLL4):c.671C>T (p.Ser224Leu)

Gene: DLL4 (delta like canonical Notch ligand 4; plus strand). Cytogenetic location: 15q15.1.
Variant type: single nucleotide variant.
Coding change: c.671C>T on transcript NM_019074.4 (MANE Select); coding-DNA position 671, C replaced by T.
Protein change: p.Ser224Leu; replaces serine 224 with leucine.
Molecular consequence: missense variant.
Genome position (GRCh38, 1-based): chr15:40,932,183, C>T. VCF-style: chr15-40932183-C-T. GRCh37 (hg19) VCF-style: chr15-41224381-C-T.
Other names: short protein forms S224L.
Identifiers: ClinVar variation 1511153 (VCV001511153.6), dbSNP rs368322432, ClinGen allele CA7487736.

ClinVar aggregate classification (germline): Uncertain significance (1 of 4 stars; one submission).

Allele frequency attached by ClinVar (database versions not stated): gnomAD exomes 0.00004; ExAC 0.00006; TOPMed 0.00009; gnomAD 0.00011; 1000 Genomes Project 30x 0.00016; 1000 Genomes Project 0.00020; ESP Exome Variant Server 0.00024.
gnomAD v4.1: 46 of 1,614,028 alleles (0.0029%); highest among the groups gnomAD compares: African/African-American, 0.025%; no homozygotes.

Submission:

Labcorp Genetics (formerly Invitae), Labcorp
Classification: Uncertain significance. Last evaluated: 2025-05-30. Review status: criteria provided, single submitter. Criteria: Invitae Variant Classification Sherloc (09022015). Collection method: clinical testing. Allele origin: germline.
Comment: This sequence change replaces serine, which is neutral and polar, with leucine, which is neutral and non-polar, at codon 224 of the DLL4 protein (p.Ser224Leu). This variant is present in population databases (rs368322432, gnomAD 0.04%), and has an allele count higher than expected for a pathogenic variant. This variant has not been reported in the literature in individuals affected with DLL4-related conditions. ClinVar contains an entry for this variant (Variation ID: 1511153). Invitae Evidence Modeling of protein sequence and biophysical properties (such as structural, functional, and spatial information, amino acid conservation, physicochemical variation, residue mobility, and thermodynamic stability) indicates that this missense variant is not expected to disrupt DLL4 protein function with a negative predictive value of 80%. In summary, the available evidence is currently insufficient to determine the role of this variant in disease. Therefore, it has been classified as a Variant of Uncertain Significance.